The following is an entry in ClinVar:

NM_004370.6(COL12A1):c.8039T>C (p.Ile2680Thr)

Gene: COL12A1 (collagen type XII alpha 1 chain; minus strand). Cytogenetic location: 6q13.
Variant type: single nucleotide variant.
Coding change: c.8039T>C on transcript NM_004370.6 (MANE Select); coding-DNA position 8039, T replaced by C.
Protein change: p.Ile2680Thr; replaces isoleucine 2680 with threonine.
Molecular consequence: missense variant.
Genome position (GRCh38, 1-based): chr6:75,109,079, A>G on the plus strand (T>C on the coding strand, the complement: COL12A1 is on the minus strand). VCF-style: chr6-75109079-A-G. GRCh37 (hg19) VCF-style: chr6-75818795-A-G.
Other names: c.4547T>C, p.Ile1516Thr (NM_080645.3, NM_001424116.1); c.8039T>C, p.Ile2680Thr (NM_001424113.1); c.8018T>C, p.Ile2673Thr (NM_001424114.1); c.7766T>C, p.Ile2589Thr (NM_001424115.1); short protein forms I1516T, I2589T, I2673T, I2680T.
Identifiers: ClinVar variation 3762357 (VCV003762357.3).
Genomic context (GRCh38, chr6:75,109,079, plus strand): 5'-GCGGCTGATTTCCTTTCCCCTTTAAGGAGTTTTCCAAGAATTTCATAACCATCAGTTGTT[A>G]TATTTCCAGCTTCCTTGATGTCTTTTTCTATAATTTCATAGCAGTCAATGTAAATCTTAA-3'
Protein context (NP_004361.3, residues 2670-2690): IEKDIKEAGN[Ile2680Thr]TTDGYEILGK

ClinVar aggregate classification (germline): Uncertain significance. Review status: criteria provided, multiple submitters, no conflicts (2 of 4 stars). 2 submissions from 2 submitters: Uncertain significance (2). Last evaluated 2024-07-02.

Conditions:
Ullrich congenital muscular dystrophy 2 (UCMD2). Identifiers: Orphanet 75840, MedGen C4225314, MONDO:0014654, OMIM 616470.
Bethlem myopathy 2 (BTHLM2). Identifiers: Orphanet 536516, Orphanet 610, MedGen C4225313, MONDO:0034022, OMIM 616471.

gnomAD v4.1: 3 of 1,612,538 alleles (0.00019%); highest among the groups gnomAD compares: Non-Finnish European, 0.00025%; no homozygotes.

Submissions (2):

Labcorp Genetics (formerly Invitae), Labcorp
Classification: Uncertain significance for Bethlem myopathy 2; Ullrich congenital muscular dystrophy 2. Last evaluated: 2024-07-02. Review status: criteria provided, single submitter. Criteria: Invitae Variant Classification Sherloc (09022015). Collection method: clinical testing. Allele origin: germline.
Comment: This sequence change replaces isoleucine, which is neutral and non-polar, with threonine, which is neutral and polar, at codon 2680 of the COL12A1 protein (p.Ile2680Thr). This variant is not present in population databases (gnomAD no frequency). This variant has not been reported in the literature in individuals affected with COL12A1-related conditions. Advanced modeling of protein sequence and biophysical properties (such as structural, functional, and spatial information, amino acid conservation, physicochemical variation, residue mobility, and thermodynamic stability) performed at Invitae indicates that this missense variant is not expected to disrupt COL12A1 protein function with a negative predictive value of 80%. In summary, the available evidence is currently insufficient to determine the role of this variant in disease. Therefore, it has been classified as a Variant of Uncertain Significance.

Revvity Omics, Revvity
Classification: Uncertain significance. Last evaluated: 2023-10-26. Review status: criteria provided, single submitter. Criteria: ACMG Guidelines, 2015. Collection method: clinical testing. Allele origin: germline.